The following is an entry in ClinVar:

NM_000038.6(APC):c.4550A>G (p.Gln1517Arg)

Gene: APC (APC regulator of Wnt signaling pathway; plus strand). Cytogenetic location: 5q22.2.
Variant type: single nucleotide variant.
Coding change: c.4550A>G on transcript NM_000038.6 (MANE Select); coding-DNA position 4550, A replaced by G.
Protein change: p.Gln1517Arg; replaces glutamine 1517 with arginine.
Molecular consequence: missense variant. On other transcripts: non-coding transcript variant (2).
Genome position (GRCh38, 1-based): chr5:112,840,144, A>G. VCF-style: chr5-112840144-A-G. GRCh37 (hg19) VCF-style: chr5-112175841-A-G.
Other names: c.4550A>G, p.Gln1517Arg (NM_001127510.3, NM_001354895.2, NM_001407450.1); c.4496A>G, p.Gln1499Arg (NM_001127511.3); c.4604A>G, p.Gln1535Arg (NM_001354896.2, NM_001407447.1, NM_001407448.1 and 1 more transcripts); c.4580A>G, p.Gln1527Arg (NM_001354897.2); c.4475A>G, p.Gln1492Arg (NM_001354898.2); c.4466A>G, p.Gln1489Arg (NM_001354899.2); c.4427A>G, p.Gln1476Arg (NM_001354900.2); c.4373A>G, p.Gln1458Arg (NM_001354901.2, NM_001407453.1); and 11 more; short protein forms Q1133R, Q1234R, Q1357R, Q1388R, Q1391R, Q1416R, Q1426R, Q1434R.
Identifiers: ClinVar variation 3230527 (VCV003230527.1), dbSNP rs2149917341, ClinGen allele CA16031289.

ClinVar aggregate classification (germline): Uncertain significance (1 of 4 stars; one submission).

Conditions:
Hereditary cancer-predisposing syndrome. Also called: Neoplastic Syndromes, Hereditary; Tumor predisposition; Hereditary neoplastic syndrome; Hereditary Cancer Syndrome. Identifiers: Orphanet 140162, MedGen C0027672, MeSH D009386, MONDO:0015356.

Submission:

Ambry Genetics
Classification: Uncertain significance for Hereditary cancer-predisposing syndrome. Last evaluated: 2024-03-05. Review status: criteria provided, single submitter. Criteria: Ambry Variant Classification Scheme 2023. Collection method: clinical testing. Allele origin: germline.
Comment: The p.Q1517R variant (also known as c.4550A>G), located in coding exon 15 of the APC gene, results from an A to G substitution at nucleotide position 4550. The glutamine at codon 1517 is replaced by arginine, an amino acid with highly similar properties. This amino acid position is highly conserved in available vertebrate species. In addition, in silico predictors for this gene do not accurately predict pathogenicity. Based on the available evidence, the clinical significance of this alteration remains unclear.